The following is an entry in ClinVar:

NM_003919.3(SGCE):c.235G>T (p.Glu79Ter)

Genes: CASD1 (CAS1 domain sialic acid O acetyltransferase 1; plus strand), SGCE (sarcoglycan epsilon; minus strand). Cytogenetic location: 7q21.3.
Variant type: single nucleotide variant.
Coding change: c.235G>T on transcript NM_003919.3 (MANE Select); coding-DNA position 235, G replaced by T.
Protein change: p.Glu79Ter; replaces glutamic acid 79 with a stop codon.
Molecular consequence: nonsense. On other transcripts: 5 prime UTR variant (2).
Genome position (GRCh38, 1-based): chr7:94,628,357, C>A on the plus strand (G>T on the coding strand, the complement: SGCE is on the minus strand). VCF-style: chr7-94628357-C-A. GRCh37 (hg19) VCF-style: chr7-94257669-C-A.
Other names: c.235G>T, p.Glu79Ter (NM_001099400.2, NM_001099401.2, NM_001346717.2); c.112G>T, p.Glu38Ter (NM_001301139.2, NM_001362809.2); c.343G>T, p.Glu115Ter (NM_001346713.2, NM_001346715.2); c.148G>T, p.Glu50Ter (NM_001346719.2, NM_001362807.2); c.-39G>T (NM_001346720.2, NM_001362808.2); short protein forms E79*, E38*, E115*, E50*.
Identifiers: ClinVar variation 2846085 (VCV002846085.3), dbSNP rs375983969, ClinGen allele CA368238579.
Genomic context (GRCh38, chr7:94,628,357, plus strand): 5'-CAGGTCGGTCTGGGTAACCCATTAAATTTGTATTAAATGTTATGGGATCATTACTAATCT[C>A]GCCTAGATAAGAAACAGAGAATTAAGACATAAGACAGTTATTTTCACACATGTTGCTTTG-3'

ClinVar aggregate classification (germline): Pathogenic (1 of 4 stars; one submission).

Conditions:
Myoclonic dystonia 11 (DYT11). Also called: Myoclonic dystonia; Dystonia 11; Dystonia, alcohol responsive; Hereditary essential myoclonus; SGCE Myoclonus-Dystonia; Myoclonus-Dystonia. Identifiers: Orphanet 36899, MedGen C1834570, MONDO:0008044, OMIM 159900.

Submission:

Labcorp Genetics (formerly Invitae), Labcorp
Classification: Pathogenic for Myoclonic dystonia 11. Last evaluated: 2023-03-15. Review status: criteria provided, single submitter. Criteria: Invitae Variant Classification Sherloc (09022015). Collection method: clinical testing. Allele origin: germline.
Comment: For these reasons, this variant has been classified as Pathogenic. Algorithms developed to predict the effect of sequence changes on RNA splicing suggest that this variant may create or strengthen a splice site. This variant has not been reported in the literature in individuals affected with SGCE-related conditions. This variant is not present in population databases (gnomAD no frequency). This sequence change creates a premature translational stop signal (p.Glu79*) in the SGCE gene. It is expected to result in an absent or disrupted protein product. Loss-of-function variants in SGCE are known to be pathogenic (PMID: 12821748, 15389977, 17853490, 24297365).

Literature cited by the submitters: PubMed 12821748; PubMed 15389977; PubMed 17853490; PubMed 24297365.